The following is an entry in ClinVar:

NC_000017.10:g.(?_17116969)_(17119827_?)del

Gene: FLCN (folliculin; minus strand). Cytogenetic location: 17p11.2.
Variant type: Deletion.
Identifiers: ClinVar variation 1457834 (VCV001457834.6).

ClinVar aggregate classification (germline): Pathogenic (1 of 4 stars; one submission).

Conditions:
Birt-Hogg-Dube syndrome. Also called: Birt Hogg Dubé syndrome. Identifiers: Orphanet 122, MedGen C0346010, MONDO:0800444.

Submission:

Labcorp Genetics (formerly Invitae), Labcorp
Classification: Pathogenic for Birt-Hogg-Dube syndrome. Last evaluated: 2021-07-29. Review status: criteria provided, single submitter. Criteria: Invitae Variant Classification Sherloc (09022015). Collection method: clinical testing. Allele origin: germline.
Comment: For these reasons, this variant has been classified as Pathogenic. This variant disrupts a region of the FLCN protein in which other variant(s) (p.Arg527*) have been determined to be pathogenic (PMID: 15852235; Invitae). This suggests that this is a clinically significant region of the protein, and that variants that disrupt it are likely to be disease-causing. This variant has not been reported in the literature in individuals affected with FLCN-related conditions. This variant is a gross deletion of the genomic region encompassing exon(s) 11-14 of the FLCN gene. The 5' boundary is likely confined to intron 10. The 3' end of this event is unknown as it extends through the termination codon beyond the assayed region for this gene and may encompass additional genes. While this deletion is not anticipated to lead to nonsense mediated decay, it is expected to alter mRNA translation or result in a truncated protein product.

Literature cited by the submitters: PubMed 15852235.